The following is an entry in ClinVar:

ClinVar aggregate classification (germline): Uncertain significance. Review status: criteria provided, multiple submitters, no conflicts (2 of 4 stars). 2 submissions from 2 submitters: Uncertain significance (2). Last evaluated 2021-10-08.

Conditions:
Inborn genetic diseases. Identifiers: MedGen C0950123, MeSH D030342.
Amyotrophic lateral sclerosis type 1 (ALS1). Also called: AMYOTROPHIC LATERAL SCLEROSIS 1, FAMILIAL. Identifiers: Orphanet 803, MedGen C1862939, MONDO:0007103, OMIM 105400.
Perry syndrome. Also called: PARKINSONISM WITH ALVEOLAR HYPOVENTILATION AND MENTAL DEPRESSION. Identifiers: Orphanet 178509, MedGen C1868594, MONDO:0008201, OMIM 168605.
Neuronopathy, distal hereditary motor, type 7B. Also called: HMN VIIB; LOWER MOTOR NEURON DISEASE, DYNACTIN TYPE; NEURONOPATHY, DISTAL HEREDITARY MOTOR, AUTOSOMAL DOMINANT 14; NEURONOPATHY, DISTAL HEREDITARY MOTOR, HARDING TYPE VIIB; NEUROPATHY, DISTAL HEREDITARY MOTOR, HARDING TYPE VIIB; NEUROPATHY, DISTAL HEREDITARY MOTOR, WITH VOCAL CORD PARALYSIS, HARDING TYPE VIIB. Identifiers: Orphanet 139589, MedGen C1843315, MONDO:0011879, OMIM 607641.

Allele frequency attached by ClinVar (database versions not stated): gnomAD exomes below 0.00001; TOPMed below 0.00001; ExAC 0.00001.

Submissions (2):

Ambry Genetics
Classification: Uncertain significance for Inborn genetic diseases. Last evaluated: 2021-10-08. Review status: criteria provided, single submitter. Criteria: Ambry Variant Classification Scheme 2023. Collection method: clinical testing. Allele origin: germline.
Comment: The p.K329R variant (also known as c.986A>G), located in coding exon 10 of the DCTN1 gene, results from an A to G substitution at nucleotide position 986. The lysine at codon 329 is replaced by arginine, an amino acid with highly similar properties. This amino acid position is conserved. In addition, this alteration is predicted to be tolerated by in silico analysis. Since supporting evidence is limited at this time, the clinical significance of this alteration remains unclear.

Labcorp Genetics (formerly Invitae), Labcorp
Classification: Uncertain significance for Amyotrophic lateral sclerosis type 1; Neuronopathy, distal hereditary motor, type 7B; Perry syndrome. Last evaluated: 2021-10-07. Review status: criteria provided, single submitter. Criteria: Invitae Variant Classification Sherloc (09022015). Collection method: clinical testing. Allele origin: germline.
Comment: In summary, the available evidence is currently insufficient to determine the role of this variant in disease. Therefore, it has been classified as a Variant of Uncertain Significance. Algorithms developed to predict the effect of missense changes on protein structure and function output the following: SIFT: "Tolerated"; PolyPhen-2: "Probably Damaging"; Align-GVGD: "Class C0". The arginine amino acid residue is found in multiple mammalian species, which suggests that this missense change does not adversely affect protein function. This variant has not been reported in the literature in individuals affected with DCTN1-related conditions. This variant is present in population databases (rs760539371, ExAC 0.001%). This sequence change replaces lysine with arginine at codon 329 of the DCTN1 protein (p.Lys329Arg). The lysine residue is highly conserved and there is a small physicochemical difference between lysine and arginine.

NM_004082.5(DCTN1):c.986A>G (p.Lys329Arg)

Gene: DCTN1 (dynactin subunit 1; minus strand). Cytogenetic location: 2p13.1.
Variant type: single nucleotide variant.
Coding change: c.986A>G on transcript NM_004082.5 (MANE Select); coding-DNA position 986, A replaced by G.
Protein change: p.Lys329Arg; replaces lysine 329 with arginine.
Molecular consequence: missense variant. On other transcripts: non-coding transcript variant (1).
Genome position (GRCh38, 1-based): chr2:74,370,683, T>C on the plus strand (A>G on the coding strand, the complement: DCTN1 is on the minus strand). VCF-style: chr2-74370683-T-C. GRCh37 (hg19) VCF-style: chr2-74597810-T-C.
Other names: c.926A>G, p.Lys309Arg (NM_001135040.3); c.584A>G, p.Lys195Arg (NM_001135041.3, NM_023019.4); c.875A>G, p.Lys292Arg (NM_001190836.2); c.965A>G, p.Lys322Arg (NM_001190837.2); c.935A>G, p.Lys312Arg (NM_001378991.1); c.917A>G, p.Lys306Arg (NM_001378992.1); short protein forms K195R, K322R, K329R, K312R, K309R, K292R, K306R.
Identifiers: ClinVar variation 1466435 (VCV001466435.8), dbSNP rs760539371, ClinGen allele CA1722279.